The following is an entry in ClinVar:

ClinVar aggregate classification (germline): Uncertain significance (1 of 4 stars; one submission).

Conditions:
Hereditary sensory neuropathy-deafness-dementia syndrome. Also called: NEUROPATHY, HEREDITARY SENSORY, WITH HEARING LOSS AND DEMENTIA; Hereditary Sensory and Autonomic Neuropathy Type 1E (HSAN1E); Hereditary sensory neuropathy type IE; HSN IE. Identifiers: Orphanet 456318, MedGen C3279885, MONDO:0013584, OMIM 614116.

Submission:

Labcorp Genetics (formerly Invitae), Labcorp
Classification: Uncertain significance for Hereditary sensory neuropathy-deafness-dementia syndrome. Last evaluated: 2019-04-18. Review status: criteria provided, single submitter. Criteria: Invitae Variant Classification Sherloc (09022015). Collection method: clinical testing. Allele origin: germline.
Comment: This sequence change replaces aspartic acid with histidine at codon 1029 of the DNMT1 protein (p.Asp1029His). The aspartic acid residue is moderately conserved and there is a moderate physicochemical difference between aspartic acid and histidine. This variant is not present in population databases (ExAC no frequency). This variant has not been reported in the literature in individuals with DNMT1-related conditions. Algorithms developed to predict the effect of missense changes on protein structure and function are either unavailable or do not agree on the potential impact of this missense change (SIFT: "Deleterious"; PolyPhen-2: "Possibly Damaging"; Align-GVGD: "Class C0"). In summary, the available evidence is currently insufficient to determine the role of this variant in disease. Therefore, it has been classified as a Variant of Uncertain Significance.

NM_001130823.3(DNMT1):c.3085G>C (p.Asp1029His)

Gene: DNMT1 (DNA methyltransferase 1; minus strand). Cytogenetic location: 19p13.2.
Variant type: single nucleotide variant.
Coding change: c.3085G>C on transcript NM_001130823.3 (MANE Select); coding-DNA position 3085, G replaced by C.
Protein change: p.Asp1029His; replaces aspartic acid 1029 with histidine.
Molecular consequence: missense variant.
Genome position (GRCh38, 1-based): chr19:10,143,797, C>G on the plus strand (G>C on the coding strand, the complement: DNMT1 is on the minus strand). VCF-style: chr19-10143797-C-G. GRCh37 (hg19) VCF-style: chr19-10254473-C-G.
Other names: c.3037G>C, p.Asp1013His (NM_001318730.2, NM_001379.4); c.2722G>C, p.Asp908His (NM_001318731.2); short protein forms D908H, D1029H, D1013H.
Identifiers: ClinVar variation 946628 (VCV000946628.9), dbSNP rs2089647828, ClinGen allele CA403975646.